The following is an entry in ClinVar:

ClinVar aggregate classification (germline): Uncertain significance (1 of 4 stars; one submission).

Allele frequency attached by ClinVar (database versions not stated): ExAC 0.00003; gnomAD 0.00001; gnomAD exomes 0.00001; TOPMed 0.00001.

Submission:

Labcorp Genetics (formerly Invitae), Labcorp
Classification: Uncertain significance. Last evaluated: 2023-07-12. Review status: criteria provided, single submitter. Criteria: Invitae Variant Classification Sherloc (09022015). Collection method: clinical testing. Allele origin: germline.
Comment: ClinVar contains an entry for this variant (Variation ID: 2089895). An algorithm developed to predict the effect of missense changes on protein structure and function (PolyPhen-2) suggests that this variant is likely to be disruptive. In summary, the available evidence is currently insufficient to determine the role of this variant in disease. Therefore, it has been classified as a Variant of Uncertain Significance. This sequence change replaces arginine, which is basic and polar, with tryptophan, which is neutral and slightly polar, at codon 213 of the LAMC3 protein (p.Arg213Trp). This variant is present in population databases (rs749815869, gnomAD 0.02%). This variant has not been reported in the literature in individuals affected with LAMC3-related conditions.

NM_006059.4(LAMC3):c.637C>T (p.Arg213Trp)

Gene: LAMC3 (laminin subunit gamma 3; plus strand). Cytogenetic location: 9q34.12.
Variant type: single nucleotide variant.
Coding change: c.637C>T on transcript NM_006059.4 (MANE Select); coding-DNA position 637, C replaced by T.
Protein change: p.Arg213Trp; replaces arginine 213 with tryptophan.
Molecular consequence: missense variant.
Genome position (GRCh38, 1-based): chr9:131,026,548, C>T. VCF-style: chr9-131026548-C-T. GRCh37 (hg19) VCF-style: chr9-133901935-C-T.
Other names: short protein forms R213W.
Identifiers: ClinVar variation 2089895 (VCV002089895.3), dbSNP rs749815869, ClinGen allele CA5286750.
Genomic context (GRCh38, chr9:131,026,548, plus strand): 5'-GAGTTCAGCGACATCTCCCCGCTGAGTGGCGGCAACGTGGCCTTCTCCACCCTGGAGGGC[C>T]GGCCCAGCGCCTACAACTTCGAGGAGAGCCCTGGGCTGCAGGTCAGGGAGGAGCGGGGCT-3'
Protein context (NP_006050.3, residues 203-223): GNVAFSTLEG[Arg213Trp]PSAYNFEESP